The following is an entry in ClinVar:

NM_015099.4(CAMTA2):c.729C>T (p.Ser243=)

Gene: CAMTA2 (calmodulin binding transcription activator 2; minus strand). Cytogenetic location: 17p13.2.
Variant type: single nucleotide variant.
Coding change: c.729C>T on transcript NM_015099.4 (MANE Select); coding-DNA position 729, C replaced by T.
Protein change: p.Ser243=; no amino-acid change (serine 243 retained).
Molecular consequence: synonymous variant.
Genome position (GRCh38, 1-based): chr17:4,980,593, G>A on the plus strand (C>T on the coding strand, the complement: CAMTA2 is on the minus strand). VCF-style: chr17-4980593-G-A. GRCh37 (hg19) VCF-style: chr17-4883888-G-A.
Other names: c.735C>T, p.Ser245= (NM_001171166.2); c.798C>T, p.Ser266= (NM_001171167.2); c.726C>T, p.Ser242= (NM_001171168.2).
Identifiers: ClinVar variation 3234188 (VCV003234188.20), dbSNP rs151218090, ClinGen allele CA8317839.

ClinVar aggregate classification (germline): Likely benign (1 of 4 stars; one submission).

Allele frequency attached by ClinVar (database versions not stated): TOPMed 0.00056; ESP Exome Variant Server 0.00063; gnomAD exomes 0.00075; gnomAD 0.00117; ExAC 0.00131.
gnomAD v4.1: 1,258 of 1,614,060 alleles (0.078%); highest among the groups gnomAD compares: Non-Finnish European, 0.093%; 7 homozygotes.

Submission:

CeGaT Center for Human Genetics Tuebingen
Classification: Likely benign. Last evaluated: 2024-03-01. Review status: criteria provided, single submitter. Criteria: CeGaT Center For Human Genetics Tuebingen Variant Classification Criteria Version 2. Collection method: clinical testing. Allele origin: germline. Affected: yes. Observed: 1 variant allele.
Comment: CAMTA2: BS2